The following is an entry in ClinVar:

NM_001040142.2(SCN2A):c.-51-136C>T

Gene: SCN2A (sodium voltage-gated channel alpha subunit 2; plus strand). Cytogenetic location: 2q24.3.
Variant type: single nucleotide variant.
Coding change: c.-51-136C>T on transcript NM_001040142.2 (MANE Select); 136 bases into the intron before 51 bases upstream of the start codon, C replaced by T.
Molecular consequence: intron variant.
Genome position (GRCh38, 1-based): chr2:165,295,637, C>T. VCF-style: chr2-165295637-C-T. GRCh37 (hg19) VCF-style: chr2-166152147-C-T.
Other names: c.-51-136C>T (NM_001040143.2, NM_001371246.1, NM_001371247.1 and 1 more transcripts).
Identifiers: ClinVar variation 677402 (VCV000677402.1), dbSNP rs79293169, ClinGen allele CA59719490.

ClinVar aggregate classification (germline): Likely benign (1 of 4 stars; one submission).

Allele frequency attached by ClinVar (database versions not stated): gnomAD 0.00944 and 0.01011; TOPMed 0.00981; 1000 Genomes Project 0.01178; 1000 Genomes Project 30x 0.01202.
gnomAD v4.1: 2,046 of 799,118 alleles (0.26%); highest among the groups gnomAD compares: African/African-American, 3.2%; 34 homozygotes.

Submission:

GeneDx
Classification: Likely benign. Last evaluated: 2018-06-14. Review status: criteria provided, single submitter. Criteria: GeneDx Variant Classification (06012015). Collection method: clinical testing. Allele origin: germline. Affected: yes.
Comment: This variant is considered likely benign or benign based on one or more of the following criteria: it is a conservative change, it occurs at a poorly conserved position in the protein, it is predicted to be benign by multiple in silico algorithms, and/or has population frequency not consistent with disease.